The following is an entry in ClinVar:

NM_000827.4(GRIA1):c.1172C>A (p.Ala391Glu)

Gene: GRIA1 (glutamate ionotropic receptor AMPA type subunit 1; plus strand). Cytogenetic location: 5q33.2.
Variant type: single nucleotide variant.
Coding change: c.1172C>A on transcript NM_000827.4 (MANE Select); coding-DNA position 1172, C replaced by A.
Protein change: p.Ala391Glu; replaces alanine 391 with glutamic acid.
Molecular consequence: missense variant. On other transcripts: non-coding transcript variant (2).
Genome position (GRCh38, 1-based): chr5:153,698,081, C>A. VCF-style: chr5-153698081-C-A. GRCh37 (hg19) VCF-style: chr5-153077641-C-A.
Other names: c.1172C>A, p.Ala391Glu (NM_001114183.2); c.932C>A, p.Ala311Glu (NM_001258019.2); c.887C>A, p.Ala296Glu (NM_001258020.2); c.1202C>A, p.Ala401Glu (NM_001258021.2, NM_001258022.2); c.965C>A, p.Ala322Glu (NM_001258023.1, NM_001364167.2); c.1004C>A, p.Ala335Glu (NM_001364165.2); c.1199C>A, p.Ala400Glu (NM_001364166.2); short protein forms A391E, A400E, A296E, A311E, A322E, A335E, A401E.
Identifiers: ClinVar variation 2692836 (VCV002692836.3), dbSNP rs770450225, ClinGen allele CA130031205.

ClinVar aggregate classification (germline): Uncertain significance (1 of 4 stars; one submission).

gnomAD v4.1: 9 of 1,610,094 alleles (0.00056%); highest among the groups gnomAD compares: Non-Finnish European, 0.00077%; no homozygotes.

Submission:

Labcorp Genetics (formerly Invitae), Labcorp
Classification: Uncertain significance. Last evaluated: 2023-11-07. Review status: criteria provided, single submitter. Criteria: Invitae Variant Classification Sherloc (09022015). Collection method: clinical testing. Allele origin: germline.
Comment: This sequence change replaces alanine, which is neutral and non-polar, with glutamic acid, which is acidic and polar, at codon 391 of the GRIA1 protein (p.Ala391Glu). This variant is not present in population databases (gnomAD no frequency). This variant has not been reported in the literature in individuals affected with GRIA1-related conditions. Advanced modeling of protein sequence and biophysical properties (such as structural, functional, and spatial information, amino acid conservation, physicochemical variation, residue mobility, and thermodynamic stability) performed at Invitae indicates that this missense variant is not expected to disrupt GRIA1 protein function with a negative predictive value of 80%. In summary, the available evidence is currently insufficient to determine the role of this variant in disease. Therefore, it has been classified as a Variant of Uncertain Significance.